The following is an entry in ClinVar:

ClinVar aggregate classification (germline): Benign/Likely benign. Review status: criteria provided, multiple submitters, no conflicts (2 of 4 stars). 11 submissions from 11 submitters: Benign (6); Likely benign (3). 2 of the submissions do not count toward it. Last evaluated 2026-02-04.

Conditions:
Familial dysautonomia. Also called: FD; HSAN III. Identifiers: Orphanet 1764, MedGen C0013364, MONDO:0009131, OMIM 223900. Disease mechanism: loss of function.

Allele frequency attached by ClinVar (database versions not stated): 1000 Genomes Project 30x 0.00703; 1000 Genomes Project 0.00719; TOPMed 0.01445; gnomAD 0.01603 and 0.01640; ESP Exome Variant Server 0.01707; gnomAD exomes 0.01764 and 0.02195; ExAC 0.01885.
gnomAD v4.1: 34,213 of 1,612,468 alleles (2.1%); highest among the groups gnomAD compares: Non-Finnish European, 2.5%; 452 homozygotes.

Submissions (11):

Labcorp Genetics (formerly Invitae), Labcorp
Classification: Benign. Last evaluated: 2026-02-04. Review status: criteria provided, single submitter. Criteria: Invitae Variant Classification Sherloc (09022015). Collection method: clinical testing. Allele origin: germline.

ARUP Laboratories, Molecular Genetics and Genomics, ARUP Laboratories
Classification: Benign. Last evaluated: 2025-04-21. Review status: criteria provided, single submitter. Criteria: ARUP Molecular Germline Variant Investigation Process 2024. Collection method: clinical testing. Allele origin: germline.

Mayo Clinic Laboratories, Mayo Clinic
Classification: Benign. Last evaluated: 2023-06-08. Review status: criteria provided, single submitter. Criteria: ACMG Guidelines, 2015. Collection method: clinical testing. Allele origin: germline. Observed: 85 variant alleles.
Comment: BS1, BS2, BP4

Women's Health and Genetics/Laboratory Corporation of America, LabCorp
Classification: Likely benign. Last evaluated: 2023-03-28. Review status: criteria provided, single submitter. Criteria: LabCorp Variant Classification Summary - May 2015. Collection method: clinical testing. Allele origin: germline.

Genome-Nilou Lab
Classification: Benign for Familial dysautonomia. Last evaluated: 2021-05-18. Review status: criteria provided, single submitter. Criteria: ACMG Guidelines, 2015. Collection method: clinical testing. Allele origin: germline. Affected: no.

Illumina Laboratory Services, Illumina
Classification: Likely benign for Familial dysautonomia. Last evaluated: 2018-01-12. Review status: criteria provided, single submitter. Criteria: ICSL Variant Classification Criteria 13 December 2019. Collection method: clinical testing. Allele origin: germline.
Comment: This variant was observed in the ICSL laboratory as part of a predisposition screen in an ostensibly healthy population. It had not been previously curated by ICSL or reported in the Human Gene Mutation Database (HGMD: prior to June 1st, 2018), and was therefore a candidate for classification through an automated scoring system. Utilizing variant allele frequency, disease prevalence and penetrance estimates, and inheritance mode, an automated score was calculated to assess if this variant is too frequent to cause the disease. Based on the score and internal cut-off values, a variant classified as likely benign is not then subjected to further curation. The score for this variant resulted in a classification of likely benign for this disease.

Genome Diagnostics Laboratory, University Medical Center Utrecht
Classification: Benign for Familial dysautonomia. Last evaluated: 2014-10-09. Review status: criteria provided, single submitter. Criteria: ACGS Guidelines, 2013. Collection method: clinical testing. Allele origin: germline. Affected: yes. Study: VKGL Data-share Consensus.

GeneDx
Classification: Benign. Last evaluated: 2014-04-03. Review status: criteria provided, single submitter. Criteria: GeneDx Variant Classification (06012015). Collection method: clinical testing. Allele origin: germline. Affected: yes.
Comment: This variant is considered likely benign or benign based on one or more of the following criteria: it is a conservative change, it occurs at a poorly conserved position in the protein, it is predicted to be benign by multiple in silico algorithms, and/or has population frequency not consistent with disease.

Breakthrough Genomics
Classification: Likely benign. Review status: criteria provided, single submitter. Criteria: ACMG Guidelines, 2015. Collection method: not provided. Allele origin: germline. Inheritance: Autosomal recessive inheritance. Affected: yes.

Natera, Inc.
Classification: Benign for Familial dysautonomia. Last evaluated: 2020-09-16. Review status: no assertion criteria provided. Collection method: clinical testing. Allele origin: germline. Not counted in ClinVar's aggregate classification.

Clinical Genetics, Academic Medical Center
Classification: Benign. Review status: no assertion criteria provided. Collection method: clinical testing. Allele origin: germline. Affected: yes. Study: VKGL Data-share Consensus. Not counted in ClinVar's aggregate classification.

NM_003640.5(ELP1):c.751A>G (p.Ser251Gly)

Gene: ELP1 (elongator acetyltransferase complex subunit 1; minus strand). Cytogenetic location: 9q31.3.
Variant type: single nucleotide variant.
Coding change: c.751A>G on transcript NM_003640.5 (MANE Select); coding-DNA position 751, A replaced by G.
Protein change: p.Ser251Gly; replaces serine 251 with glycine.
Molecular consequence: missense variant. On other transcripts: 5 prime UTR variant (1).
Genome position (GRCh38, 1-based): chr9:108,917,660, T>C on the plus strand (A>G on the coding strand, the complement: ELP1 is on the minus strand). VCF-style: chr9-108917660-T-C. GRCh37 (hg19) VCF-style: chr9-111679940-T-C.
Other names: p.S251G:AGT>GGT; p.Ser251Gly; c.751A>G (LRG_251t1, NM_003640.4); c.409A>G, p.Ser137Gly (NM_001318360.2); c.-297A>G (NM_001330749.2); short protein forms S251G, S137G.
Identifiers: ClinVar variation 137569 (VCV000137569.36), dbSNP rs17853166, ClinGen allele CA291204.